The following is an entry in ClinVar:

ClinVar aggregate classification (germline): Pathogenic (1 of 4 stars; one submission).

Conditions:
Familial adenomatous polyposis 1 (FAP1). Also called: FAMILIAL ADENOMATOUS POLYPOSIS 1, ATTENUATED; POLYPOSIS, ADENOMATOUS INTESTINAL. Identifiers: MedGen C2713442, MONDO:0021056, OMIM 175100. Disease mechanism: loss of function.

Submission:

Labcorp Genetics (formerly Invitae), Labcorp
Classification: Pathogenic for Familial adenomatous polyposis 1. Last evaluated: 2022-10-04. Review status: criteria provided, single submitter. Criteria: Invitae Variant Classification Sherloc (09022015). Collection method: clinical testing. Allele origin: germline.
Comment: For these reasons, this variant has been classified as Pathogenic. This variant disrupts a region of the APC protein in which other variant(s) (p.Tyr2645Lysfs*14) have been determined to be pathogenic (PMID: 1316610, 8381579, 9824584, 22135120, 27081525; Invitae). This suggests that this is a clinically significant region of the protein, and that variants that disrupt it are likely to be disease-causing. This variant is also known as deletion of exons 11-15. A similar copy number variant has been observed in individual(s) with familial adenomatous polyposis (PMID: 16736293, 18487285, 20223039). It has also been observed to segregate with disease in related individuals. This variant is a gross deletion of the genomic region encompassing exon(s) 12-16 of the APC gene, which includes the termination codon. This deletion extends beyond the assayed region for this gene and therefore may encompass additional genes. While this deletion is not anticipated to lead to nonsense mediated decay, it is expected to alter mRNA translation or result in a truncated protein product.

Literature cited by the submitters: PubMed 1316610; PubMed 8381579; PubMed 9824584; PubMed 22135120; PubMed 27081525; PubMed 16736293; PubMed 18487285; PubMed 20223039.

NC_000005.9:g.(?_112162795)_(112179823_?)del

Gene: APC (APC regulator of Wnt signaling pathway; plus strand). Cytogenetic location: 5q22.2.
Variant type: Deletion.
Identifiers: ClinVar variation 1069156 (VCV001069156.44).